The following is an entry in ClinVar:

NM_006363.6(SEC23B):c.2148+1G>T

Gene: SEC23B (SEC23 homolog B, COPII component; plus strand). Cytogenetic location: 20p11.23.
Variant type: single nucleotide variant.
Coding change: c.2148+1G>T on transcript NM_006363.6 (MANE Select); the canonical splice donor site of the intron after coding-DNA position 2148, G replaced by T.
Molecular consequence: splice donor variant.
Genome position (GRCh38, 1-based): chr20:18,554,391, G>T. VCF-style: chr20-18554391-G-T. GRCh37 (hg19) VCF-style: chr20-18535035-G-T.
Other names: c.2148+1G>T (NM_032986.5, NM_001172745.3, NM_032985.6); c.2094+1G>T (NM_001172746.3).
Identifiers: ClinVar variation 4281619 (VCV004281619.1).

ClinVar aggregate classification (germline): Likely pathogenic (1 of 4 stars; one submission).

Conditions:
Congenital dyserythropoietic anemia, type II (CDAN2). Also called: DYSERYTHROPOIETIC ANEMIA, HEMPAS TYPE. Identifiers: Orphanet 98873, MedGen C1306589, MONDO:0009134, OMIM 224100.

gnomAD v4.1: 1 of 1,614,212 alleles (0.000062%); highest among the groups gnomAD compares: Non-Finnish European, 0.000085%; no homozygotes.

Submission:

Department of Haematogenetics, ICMR National Institute of Immunohaematology
Classification: Likely pathogenic for Congenital dyserythropoietic anemia, type II. Last evaluated: 2025-10-21. Review status: criteria provided, single submitter. Criteria: ACMG Guidelines, 2015. Collection method: research. Allele origin: germline. Affected: yes.
Comment: This variant is classified as Likley Pathogenic (PVS1+PM2) as per the ACMG guidelines.The variant was identified in compound heterozygous state with another SEC23B variant (c.1489C>T).